The following is an entry in ClinVar:

NM_014339.7(IL17RA):c.1756G>A (p.Glu586Lys)

Gene: IL17RA (interleukin 17 receptor A; plus strand). Cytogenetic location: 22q11.1.
Variant type: single nucleotide variant.
Coding change: c.1756G>A on transcript NM_014339.7 (MANE Select); coding-DNA position 1756, G replaced by A.
Protein change: p.Glu586Lys; replaces glutamic acid 586 with lysine.
Molecular consequence: missense variant.
Genome position (GRCh38, 1-based): chr22:17,108,975, G>A. VCF-style: chr22-17108975-G-A. GRCh37 (hg19) VCF-style: chr22-17589865-G-A.
Other names: c.1654G>A, p.Glu552Lys (NM_001289905.2); c.1756G>A (NM_014339.5); short protein forms E552K, E586K.
Identifiers: ClinVar variation 1415521 (VCV001415521.7), dbSNP rs925100401, ClinGen allele CA321152896.

ClinVar aggregate classification (germline): Uncertain significance. Review status: criteria provided, multiple submitters, no conflicts (2 of 4 stars). 2 submissions from 2 submitters: Uncertain significance (2). Last evaluated 2026-01-05.

Conditions:
Immunodeficiency 51 (IMD51). Also called: CANDIDIASIS, FAMILIAL, 5. Identifiers: Orphanet 1334, MedGen C4310803, MONDO:0013500, OMIM 613953.

Allele frequency attached by ClinVar (database versions not stated): gnomAD 0.00003; TOPMed 0.00003.
gnomAD v4.1: 5 of 1,604,538 alleles (0.00031%); highest among the groups gnomAD compares: Admixed American, 0.005%; no homozygotes.

Submissions (2):

Labcorp Genetics (formerly Invitae), Labcorp
Classification: Uncertain significance for Immunodeficiency 51. Last evaluated: 2026-01-05. Review status: criteria provided, single submitter. Criteria: Invitae Variant Classification Sherloc (09022015). Collection method: clinical testing. Allele origin: germline.
Comment: This sequence change replaces glutamic acid, which is acidic and polar, with lysine, which is basic and polar, at codon 586 of the IL17RA protein (p.Glu586Lys). This variant is not present in population databases (gnomAD no frequency). This variant has not been reported in the literature in individuals affected with IL17RA-related conditions. ClinVar contains an entry for this variant (Variation ID: 1415521). Invitae Evidence Modeling of protein sequence and biophysical properties (such as structural, functional, and spatial information, amino acid conservation, physicochemical variation, residue mobility, and thermodynamic stability) indicates that this missense variant is not expected to disrupt IL17RA protein function with a negative predictive value of 80%. In summary, the available evidence is currently insufficient to determine the role of this variant in disease. Therefore, it has been classified as a Variant of Uncertain Significance.

Ambry Genetics
Classification: Uncertain significance. Last evaluated: 2024-06-26. Review status: criteria provided, single submitter. Criteria: Ambry Variant Classification Scheme 2023. Collection method: clinical testing. Allele origin: germline.